The following is an entry in ClinVar:

ClinVar aggregate classification (germline): Uncertain significance (1 of 4 stars; one submission).

Submission:

GeneDx
Classification: Uncertain significance. Last evaluated: 2024-04-16. Review status: criteria provided, single submitter. Criteria: GeneDx Variant Classification Process June 2021. Collection method: clinical testing. Allele origin: germline.
Comment: Not observed at significant frequency in large population cohorts (gnomAD); In silico analysis supports that this missense variant has a deleterious effect on protein structure/function; Has not been previously published as pathogenic or benign to our knowledge

NM_001366145.2(TRPM3):c.1064C>G (p.Pro355Arg)

Gene: TRPM3 (transient receptor potential cation channel subfamily M member 3; minus strand). Cytogenetic location: 9q21.12.
Variant type: single nucleotide variant.
Coding change: c.1064C>G on transcript NM_001366145.2 (MANE Select); coding-DNA position 1064, C replaced by G.
Protein change: p.Pro355Arg; replaces proline 355 with arginine.
Molecular consequence: missense variant.
Genome position (GRCh38, 1-based): chr9:70,784,189, G>C on the plus strand (C>G on the coding strand, the complement: TRPM3 is on the minus strand). VCF-style: chr9-70784189-G-C. GRCh37 (hg19) VCF-style: chr9-73399105-G-C.
Other names: c.680C>G, p.Pro227Arg (NM_001007470.3, NM_206946.5, NM_206947.5); c.1064C>G, p.Pro355Arg (NM_001007471.4, NM_001366146.2, NM_001366149.2 and 3 more transcripts); c.1070C>G, p.Pro357Arg (NM_001366141.2, NM_001366142.2, NM_001366143.2 and 1 more transcripts); c.1139C>G, p.Pro380Arg (NM_001366147.2, NM_001366148.2, NM_001366152.2); c.605C>G, p.Pro202Arg (NM_001366154.2, NM_020952.6, NM_024971.7 and 3 more transcripts); short protein forms P202R, P227R, P355R, P357R, P380R.
Identifiers: ClinVar variation 2576841 (VCV002576841.2), dbSNP rs2538629786, ClinGen allele CA373557001.
Genomic context (GRCh38, chr9:70,784,189, plus strand): 5'-CCAAAGGCCAGGATGTCCGATGCCCGTCCACTCCCATCACAGACAACCACTGGCACGGGA[G>C]GGGTGTCTCGAAGGTACTCCAAAACAATCGAGATCACATTGGGTCCTCCTTCCACTATGA-3'
Protein context (NP_001353074.1, residues 345-365): SIVLEYLRDT[Pro355Arg]PVPVVVCDGS